The following is an entry in ClinVar:

NM_153704.6(TMEM67):c.1066-7G>T

Gene: TMEM67 (transmembrane protein 67; plus strand). Cytogenetic location: 8q22.1.
Variant type: single nucleotide variant.
Coding change: c.1066-7G>T on transcript NM_153704.6 (MANE Select); 7 bases into the intron before coding-DNA position 1066, G replaced by T.
Molecular consequence: intron variant.
Genome position (GRCh38, 1-based): chr8:93,782,388, G>T. VCF-style: chr8-93782388-G-T. GRCh37 (hg19) VCF-style: chr8-94794616-G-T.
Other names: c.1066-7G>T (NM_153704.5); c.823-7G>T (NM_001142301.1).
Identifiers: ClinVar variation 2925100 (VCV002925100.4), dbSNP rs978443277, ClinGen allele CA181328429.

ClinVar aggregate classification (germline): Likely benign. Review status: criteria provided, single submitter (1 of 4 stars). 2 submissions from 2 submitters: Likely benign (1). 1 of the submissions does not count toward it. Last evaluated 2023-10-06.

Conditions:
TMEM67-related disorder. Also called: TMEM67-related condition; TMEM67-related disorders. Identifiers: MedGen CN239423.
Meckel-Gruber syndrome. Also called: Dysencephalia splachnocystica; DYSENCEPHALIA SPLANCHNOCYSTICA; GRUBER SYNDROME. Identifiers: Orphanet 564, MedGen C0265215, MONDO:0018921.
Joubert syndrome. Also called: JOUBERT-BOLTSHAUSER SYNDROME; Familial aplasia of the vermis. Identifiers: Orphanet 475, MedGen C5979921, MONDO:0018772.

Allele frequency attached by ClinVar (database versions not stated): gnomAD 0.00001; TOPMed 0.00001.

Submissions (2):

Labcorp Genetics (formerly Invitae), Labcorp
Classification: Likely benign for Joubert syndrome; Meckel-Gruber syndrome. Last evaluated: 2023-10-06. Review status: criteria provided, single submitter. Criteria: Invitae Variant Classification Sherloc (09022015). Collection method: clinical testing. Allele origin: germline.

PreventionGenetics, part of Exact Sciences
Classification: Likely benign for TMEM67-related condition. Last evaluated: 2024-08-24. Review status: no assertion criteria provided. Collection method: clinical testing. Allele origin: germline. Not counted in ClinVar's aggregate classification.
Comment: This variant is classified as likely benign based on ACMG/AMP sequence variant interpretation guidelines (Richards et al. 2015 PMID: 25741868, with internal and published modifications).